The following is an entry in ClinVar:

NM_000202.8(IDS):c.482C>T (p.Ser161Phe)

Genes: IDS (iduronate 2-sulfatase; minus strand), LOC106050102 (IDS recombination region; plus strand). Cytogenetic location: Xq28.
Variant type: single nucleotide variant.
Coding change: c.482C>T on transcript NM_000202.8 (MANE Select); coding-DNA position 482, C replaced by T.
Protein change: p.Ser161Phe; replaces serine 161 with phenylalanine.
Molecular consequence: missense variant. On other transcripts: non-coding transcript variant (1).
Genome position (GRCh38, 1-based): chrX:149,500,974, G>A on the plus strand (C>T on the coding strand, the complement: IDS is on the minus strand). VCF-style: chrX-149500974-G-A. GRCh37 (hg19) VCF-style: chrX-148582505-G-A.
Other names: p.Ser161Phe; c.212C>T, p.Ser71Phe (NM_001166550.4); c.482C>T, p.Ser161Phe (NM_006123.5); short protein forms S161F, S71F.
Identifiers: ClinVar variation 1710490 (VCV001710490.3), dbSNP rs2089474844, ClinGen allele CA414523025.

ClinVar aggregate classification (germline): Uncertain significance (1 of 4 stars; one submission).

Conditions:
Mucopolysaccharidosis, MPS-II (MPS2). Also called: IDS deficiency; Sulfoiduronate sulfatase deficiency; SIDS deficiency; Attenuated MPS (subtype; formerly known as mild MPS II); Severe MPS II; I2S deficiency. Identifiers: Orphanet 580, Orphanet 79388, MedGen C0026705, MONDO:0010674, OMIM 309900.

Submission:

Foundation for Research in Genetics and Endocrinology, FRIGE's Institute of Human Genetics
Classification: Uncertain significance for Mucopolysaccharidosis, MPS-II. Last evaluated: 2022-07-02. Review status: criteria provided, single submitter. Criteria: ACMG Guidelines, 2015. Collection method: clinical testing. Allele origin: germline. Inheritance: X-linked recessive inheritance. Affected: yes. Observed: 1 hemizygote.
Comment: A Hemizygous missense variation in exon 4 of the IDS gene that results in the aminoacid substitution of Phenylalanine for Serine at codon 161 was detected.The observed variant c.482C>T(p.Ser161Phe) has not been reported in the 1000 genomes and gnomAD database. The in silico prediction of the variant are possibly damaging by and MutationTaster2. The reference codon is conserved across species.In summary, the variant meets our criteria to be classified as pathogenic.In summary, the variant meets our criteria to be classified as a variant of uncertain significance.